The following is an entry in ClinVar:

ClinVar aggregate classification (germline): Conflicting classifications of pathogenicity. Review status: criteria provided, conflicting classifications (1 of 4 stars). 11 submissions from 11 submitters: Pathogenic (1); Uncertain significance (7). 3 of the submissions do not count toward it. Last evaluated 2026-01-19.

Conditions:
Intrauterine growth retardation, metaphyseal dysplasia, adrenal hypoplasia congenita, genital anomalies, and immunodeficiency. Also called: IMAGEI SYNDROME. Identifiers: MedGen C5193036, MONDO:0032684, OMIM 618336.
POLE-related disorder. Also called: POLE-related condition; POLE-related disorders.
Hereditary cancer-predisposing syndrome. Also called: Hereditary Cancer Syndrome; Tumor predisposition; Hereditary neoplastic syndrome; Neoplastic Syndromes, Hereditary. Identifiers: Orphanet 140162, MedGen C0027672, MeSH D009386, MONDO:0015356.
Colorectal cancer, susceptibility to, 12 (CRCS12). Also called: COLORECTAL CANCER, SUSCEPTIBILITY TO, ON CHROMOSOME 12q24. Identifiers: Orphanet 220460, MedGen C3554460, MONDO:0014038, OMIM 615083.

Allele frequency attached by ClinVar (database versions not stated): TOPMed 0.00009.

Submissions (11):

Labcorp Genetics (formerly Invitae), Labcorp
Classification: Pathogenic. Last evaluated: 2026-01-19. Review status: criteria provided, single submitter. Criteria: Invitae Variant Classification Sherloc (09022015). Collection method: clinical testing. Allele origin: germline.
Comment: This sequence change affects the initiator codon of the POLE mRNA. This change may impact translation initiation or efficiency. The next in-frame methionine is located at codon 44. This variant is present in population databases (no rsID available, gnomAD 0.01%). Disruption of the initiator codon has been observed in individual(s) with clinical features of autosomal recessive FILS syndrome (PMID: 30503519). In at least one individual the data is consistent with being in trans (on the opposite chromosome) from a pathogenic variant. It has also been observed to segregate with disease in related individuals. ClinVar contains an entry for this variant (Variation ID: 240415). For these reasons, this variant has been classified as Pathogenic.

Center for Genomic Medicine, Rigshospitalet, Copenhagen University Hospital
Classification: Uncertain significance. Last evaluated: 2025-12-29. Review status: criteria provided, single submitter. Criteria: ACMG Guidelines, 2015. Collection method: clinical testing. Allele origin: germline.

Ambry Genetics
Classification: Uncertain significance for Hereditary cancer-predisposing syndrome. Last evaluated: 2024-12-24. Review status: criteria provided, single submitter. Criteria: Ambry Variant Classification Scheme 2023. Collection method: clinical testing. Allele origin: germline.
Comment: The p.M1? variant (also known as c.1A>T), located in coding exon 1 of the POLE gene, results from an A to T substitution at nucleotide position 1. This alters the methionine residue at the initiation codon (ATG). This variant has been identified in conjunction with another POLE variant (c.1686+32C>G) in individuals with features consistent with POLE deficiency; in at least one instance, the variants were identified in trans (Logan CV et al. Am J Hum Genet, 2018 Dec;103:1038-1044). This amino acid position is well conserved in available vertebrate species. In addition to the clinical data presented in the literature, sequence variations that modify the initiation codon are expected to result in either loss of translation initiation, N-terminal truncation, or cause a shift in the mRNA reading frame. Based on the supporting evidence, this alteration is pathogenic for POLE deficiency; however, the association of this alteration with POLE-related polymerase proofreading-associated polyposis (PPAP) and POLE-related CMMRD-like syndrome is unknown.

Blueprint Genetics
Classification: Uncertain significance. Last evaluated: 2024-10-02. Review status: criteria provided, single submitter. Criteria: ACMG Guidelines, 2015. Collection method: clinical testing. Allele origin: germline.

Mayo Clinic Laboratories, Mayo Clinic
Classification: Uncertain significance. Last evaluated: 2022-06-24. Review status: criteria provided, single submitter. Criteria: ACMG Guidelines, 2015. Collection method: clinical testing. Allele origin: germline. Observed: 3 variant alleles.
Comment: PM2

Quest Diagnostics Nichols Institute San Juan Capistrano
Classification: Uncertain significance. Last evaluated: 2018-11-01. Review status: criteria provided, single submitter. Criteria: Quest Diagnostics criteria. Collection method: clinical testing. Allele origin: germline.

GeneDx
Classification: Uncertain significance. Last evaluated: 2018-10-12. Review status: criteria provided, single submitter. Criteria: GeneDx Variant Classification (06012015). Collection method: clinical testing. Allele origin: germline. Affected: yes.
Comment: The c.1A>T variant in the POLE gene alters the initiator Methionine codon, and the resultant protein would be described as ?p.Met1?? to signify that it is not known if the loss of Met1 prevents all protein translation or if an abnormal protein is produced using an alternate Methionine codon. This variant has not, to our knowledge, been published in the literature as a germline pathogenic or benign variant. POLE c.1A>T was observed at an allele frequency of 0.01% (4/37,104) in individuals of European ancestry in large population cohorts (Lek 2016). While some missense variants have been recognized as an underlying cause of Polymerase Proofreading-Associated Polyposis (PPAP), there are no data at this time to support that loss-of-function variants confer the same cancer risks. We therefore consider POLE c.1A>T to be a variant of unknown significance with respect to cancer. To date, the majority of publications regarding POLE and colorectal cancer risk are confined to missense variants within the exonuclease domain (Palles 2013, Spier 2015). However, a splice variant and a frameshift variant have been reported. Pachlopnik Schmid et al. (2012) observed a splice variant at the +3 position in intron 34, in the homozygous state, in 11 family members with facial dysmorphism, immunodeficiency, livedo, and short stature (FILS) from a large consanguineous family; however, they noted that all heterozygous carriers were asymptomatic and did not have a history of cancer. As described above, facial dysmorphism, immunodeficiency, livedo, and short stature (FILS) appears to be a rare autosomal recessive condition associated with two loss-of-function variants in POLE (Pachlopnik Schmid 2012). For individuals and family members of reproductive age, assessment of the reproductive risk associated with being a carrier of a potential loss of function POLE variant may be considered.

Laboratory for Molecular Medicine, Mass General Brigham Personalized Medicine
Classification: Uncertain significance. Last evaluated: 2016-11-15. Review status: criteria provided, single submitter. Criteria: LMM Criteria. Collection method: clinical testing. Allele origin: germline. Observed: 1 variant allele.
Comment: The p.Met1? variant in POLE has not been previously reported in individuals with colorectal cancer (CRC). Data from large population studies is insufficient to assess its frequency (due to a lack of coverage). This variant disrupts the tran slation initiation start codon (ATG). Although this expected to severely impact the protein the precise effect is unclear. In addition, the POLE gene has not ye t been widely studied and to date, virtually all variants reported in patients w ith CRC represent missense changes. In summary, the clinical significance of the p.Met1? variant is uncertain.

PreventionGenetics, part of Exact Sciences
Classification: Uncertain significance for POLE-related condition. Last evaluated: 2024-01-10. Review status: no assertion criteria provided. Collection method: clinical testing. Allele origin: germline. Not counted in ClinVar's aggregate classification.
Comment: The POLE c.1A>T variant is predicted to disrupt the translation initiation site (Start Loss). This variant has been reported with a second putative loss-of-function variant, in three individuals from two families with IMAGe syndrome (Logan et al. 2018. PubMed ID: 30503519). This variant is reported in 0.013% of alleles in individuals of European (Non-Finnish) descent in gnomAD. To date, null variants have not been conclusively shown to cause autosomal dominant colorectal cancer susceptibility. In ClinVar, this variant has conflicting classifications including uncertain significance and pathogenic. Five additional start-loss changes in POLE are documented in gnomAD, and interpreted as variants of uncertain significance in ClinVar, and to our knowledge, none of these have been reported in the literature as causative for disease. Although we suspect this variant may be pathogenic for autosomal recessive IMAGe syndrome, at this time the clinical significance of this variant is uncertain due to the absence of conclusive functional and genetic evidence.

OMIM
Classification: Pathogenic for INTRAUTERINE GROWTH RETARDATION, METAPHYSEAL DYSPLASIA, ADRENAL HYPOPLASIA CONGENITA, GENITAL ANOMALIES, AND IMMUNODEFICIENCY. Last evaluated: 2019-02-26. Review status: no assertion criteria provided. Collection method: literature only. Allele origin: germline. Not counted in ClinVar's aggregate classification.

Counsyl
Classification: Uncertain significance for Colorectal cancer, susceptibility to, 12. Last evaluated: 2016-09-26. Review status: no assertion criteria provided. Collection method: clinical testing. Allele origin: unknown. Not counted in ClinVar's aggregate classification.

Literature cited by the submitters: PubMed 30503519 (cited by 5 submitters); PubMed 23263490 (cited by Center for Genomic Medicine, Rigshospitalet, Copenhagen University Hospital); PubMed 26251183 (cited by Center for Genomic Medicine, Rigshospitalet, Copenhagen University Hospital); PubMed 32792570 (cited by Center for Genomic Medicine, Rigshospitalet, Copenhagen University Hospital).

NM_006231.4(POLE):c.1A>T (p.Met1Leu)

Genes: POLE (DNA polymerase epsilon, catalytic subunit; minus strand), LOC130009266 (ATAC-STARR-seq lymphoblastoid silent region 5123; plus strand). Cytogenetic location: 12q24.33.
Variant type: single nucleotide variant.
Coding change: c.1A>T on transcript NM_006231.4 (MANE Select); coding-DNA position 1, A replaced by T.
Protein change: p.Met1Leu; changes the start codon (methionine 1).
Molecular consequence: missense variant, initiator codon variant.
Genome position (GRCh38, 1-based): chr12:132,687,315, T>A on the plus strand (A>T on the coding strand, the complement: POLE is on the minus strand). VCF-style: chr12-132687315-T-A. GRCh37 (hg19) VCF-style: chr12-133263901-T-A.
Other names: short protein forms M1L.
Identifiers: ClinVar variation 240415 (VCV000240415.32), dbSNP rs878854847, ClinGen allele CA10583037.